The following is an entry in ClinVar:

ClinVar aggregate classification (germline): Uncertain significance (1 of 4 stars; one submission).

Conditions:
Inborn genetic diseases. Identifiers: MedGen C0950123, MeSH D030342.

Allele frequency attached by ClinVar (database versions not stated): gnomAD exomes below 0.00001.

Submission:

Ambry Genetics
Classification: Uncertain significance for Inborn genetic diseases. Last evaluated: 2021-07-29. Review status: criteria provided, single submitter. Criteria: Ambry Variant Classification Scheme 2023. Collection method: clinical testing. Allele origin: germline.
Comment: The c.297+6C>T intronic alteration consists of a C to T substitution nucleotides after coding exon 4 in the PUF60 gene. Based on insufficient or conflicting evidence, the clinical significance of this alteration remains unclear.

NM_078480.3(PUF60):c.297+6C>T

Gene: PUF60 (poly(U) binding splicing factor 60; minus strand). Cytogenetic location: 8q24.3.
Variant type: single nucleotide variant.
Coding change: c.297+6C>T on transcript NM_078480.3 (MANE Select); 6 bases into the intron after coding-DNA position 297, C replaced by T.
Molecular consequence: intron variant.
Genome position (GRCh38, 1-based): chr8:143,821,591, G>A on the plus strand (C>T on the coding strand, the complement: PUF60 is on the minus strand). VCF-style: chr8-143821591-G-A. GRCh37 (hg19) VCF-style: chr8-144903761-G-A.
Other names: c.210+6C>T (NM_001271097.2, NM_001271099.2); c.294+6C>T (NM_001271096.2, NM_001271098.2); c.297+6C>T (NM_014281.5); c.168+6C>T (NM_001271100.2, NM_001136033.3); c.408+6C>T (NM_001362897.2, NM_001362895.2, NM_001362896.2).
Identifiers: ClinVar variation 2232962 (VCV002232962.2), dbSNP rs1380509710, ClinGen allele CA848789279.
Genomic context (GRCh38, chr8:143,821,591, plus strand): 5'-GAGCGTGAAGAGGAGGAGATGGTGGCTGTGGTGGGGAGGGCGGTAGAGGCTCCGGCCGGG[G>A]CTCACCTGCAGGTTGGTGAGCTGCTGCTGCTGGTGCGCGATGGTCTGCTTCACCAGCACA-3'